The following is an entry in ClinVar:

NM_000256.3(MYBPC3):c.1338G>C (p.Glu446Asp)

Gene: MYBPC3 (myosin binding protein C3; minus strand). Cytogenetic location: 11p11.2.
Variant type: single nucleotide variant.
Coding change: c.1338G>C on transcript NM_000256.3 (MANE Select); coding-DNA position 1338, G replaced by C.
Protein change: p.Glu446Asp; replaces glutamic acid 446 with aspartic acid.
Molecular consequence: missense variant.
Genome position (GRCh38, 1-based): chr11:47,343,034, C>G on the plus strand (G>C on the coding strand, the complement: MYBPC3 is on the minus strand). VCF-style: chr11-47343034-C-G. GRCh37 (hg19) VCF-style: chr11-47364585-C-G.
Other names: short protein forms E446D.
Identifiers: ClinVar variation 3230867 (VCV003230867.1), dbSNP rs757182984, ClinGen allele CA380326758.

ClinVar aggregate classification (germline): Uncertain significance (1 of 4 stars; one submission).

Conditions:
Cardiovascular phenotype. Identifiers: MedGen CN230736.

gnomAD v4.1: 1 of 1,613,306 alleles (0.000062%); highest among the groups gnomAD compares: East Asian, 0.0022%; no homozygotes.

Submission:

Ambry Genetics
Classification: Uncertain significance for Cardiovascular phenotype. Last evaluated: 2024-03-04. Review status: criteria provided, single submitter. Criteria: Ambry Variant Classification Scheme 2023. Collection method: clinical testing. Allele origin: germline.
Comment: The p.E446D variant (also known as c.1338G>C), located in coding exon 15 of the MYBPC3 gene, results from a G to C substitution at nucleotide position 1338. The glutamic acid at codon 446 is replaced by aspartic acid, an amino acid with highly similar properties. This amino acid position is conserved. In addition, this alteration is predicted to be tolerated by in silico analysis. Based on the available evidence, the clinical significance of this alteration remains unclear.